The following is an entry in ClinVar:

ClinVar aggregate classification (germline): Uncertain significance (1 of 4 stars; one submission).

Submission:

Ambry Genetics
Classification: Uncertain significance. Last evaluated: 2025-02-09. Review status: criteria provided, single submitter. Criteria: Ambry Variant Classification Scheme 2023. Collection method: clinical testing. Allele origin: germline.
Comment: The p.K489N variant (also known as c.1467A>C), located in coding exon 1 of the MLH3 gene, results from an A to C substitution at nucleotide position 1467. The lysine at codon 489 is replaced by asparagine, an amino acid with similar properties. This amino acid position is conserved. In addition, this alteration is predicted to be tolerated by in silico analysis. Based on the available evidence, the clinical significance of this variant remains unclear.

NM_001040108.2(MLH3):c.1467A>C (p.Lys489Asn)

Gene: MLH3 (mutL homolog 3; minus strand). Cytogenetic location: 14q24.3.
Variant type: single nucleotide variant.
Coding change: c.1467A>C on transcript NM_001040108.2 (MANE Select); coding-DNA position 1467, A replaced by C.
Protein change: p.Lys489Asn; replaces lysine 489 with asparagine.
Molecular consequence: missense variant.
Genome position (GRCh38, 1-based): chr14:75,048,189, T>G on the plus strand (A>C on the coding strand, the complement: MLH3 is on the minus strand). VCF-style: chr14-75048189-T-G. GRCh37 (hg19) VCF-style: chr14-75514892-T-G.
Other names: c.1467A>C, p.Lys489Asn (NM_014381.3); short protein forms K489N.
Identifiers: ClinVar variation 3873523 (VCV003873523.1).